The following is an entry in ClinVar:

NM_012233.3(RAB3GAP1):c.303G>A (p.Met101Ile)

Gene: RAB3GAP1 (RAB3 GTPase activating protein catalytic subunit 1; plus strand). Cytogenetic location: 2q21.3.
Variant type: single nucleotide variant.
Coding change: c.303G>A on transcript NM_012233.3 (MANE Select); coding-DNA position 303, G replaced by A.
Protein change: p.Met101Ile; replaces methionine 101 with isoleucine.
Molecular consequence: missense variant.
Genome position (GRCh38, 1-based): chr2:135,093,634, G>A. VCF-style: chr2-135093634-G-A. GRCh37 (hg19) VCF-style: chr2-135851204-G-A.
Other names: c.303G>A, p.Met101Ile (NM_001172435.2); short protein forms M101I.
Identifiers: ClinVar variation 1714179 (VCV001714179.3), dbSNP rs2468131022, ClinGen allele CA348565934.

ClinVar aggregate classification (germline): Uncertain significance (1 of 4 stars; one submission).

Submission:

Labcorp Genetics (formerly Invitae), Labcorp
Classification: Uncertain significance. Last evaluated: 2023-07-07. Review status: criteria provided, single submitter. Criteria: Invitae Variant Classification Sherloc (09022015). Collection method: clinical testing. Allele origin: germline.
Comment: This sequence change replaces methionine, which is neutral and non-polar, with isoleucine, which is neutral and non-polar, at codon 101 of the RAB3GAP1 protein (p.Met101Ile). This variant is not present in population databases (gnomAD no frequency). This variant has not been reported in the literature in individuals affected with RAB3GAP1-related conditions. ClinVar contains an entry for this variant (Variation ID: 1714179). An algorithm developed to predict the effect of missense changes on protein structure and function (PolyPhen-2) suggests that this variant¬†is likely to be tolerated. In summary, the available evidence is currently insufficient to determine the role of this variant in disease. Therefore, it has been classified as a Variant of Uncertain Significance.